The following is an entry in ClinVar:

NM_001849.4(COL6A2):c.2264C>T (p.Thr755Met)

Gene: COL6A2 (collagen type VI alpha 2 chain; plus strand). Cytogenetic location: 21q22.3.
Variant type: single nucleotide variant.
Coding change: c.2264C>T on transcript NM_001849.4 (MANE Select); coding-DNA position 2264, C replaced by T.
Protein change: p.Thr755Met; replaces threonine 755 with methionine.
Molecular consequence: missense variant.
Genome position (GRCh38, 1-based): chr21:46,126,079, C>T. VCF-style: chr21-46126079-C-T. GRCh37 (hg19) VCF-style: chr21-47545993-C-T.
Other names: c.2264C>T, p.Thr755Met (NM_058174.3, NM_058175.3); short protein forms T755M.
Identifiers: ClinVar variation 340374 (VCV000340374.7), dbSNP rs369954815, ClinGen allele CA10072493.

ClinVar aggregate classification (germline): Conflicting classifications of pathogenicity. Review status: criteria provided, conflicting classifications (1 of 4 stars). 2 submissions from 2 submitters: Uncertain significance (1); Likely benign (1). Last evaluated 2025-03-19.

Conditions:
Collagen 6-related myopathy. Identifiers: MedGen CN117976, MONDO:0100225.

Allele frequency attached by ClinVar (database versions not stated): gnomAD exomes 0.00001; TOPMed 0.00001; ExAC 0.00002; gnomAD 0.00002; ESP Exome Variant Server 0.00008.
gnomAD v4.1: 13 of 1,612,832 alleles (0.00081%); highest among the groups gnomAD compares: Admixed American, 0.0017%; no homozygotes.

Submissions (2):

GeneDx
Classification: Uncertain significance. Last evaluated: 2025-03-19. Review status: criteria provided, single submitter. Criteria: GeneDx Variant Classification Process June 2021. Collection method: clinical testing. Allele origin: germline. Affected: yes.
Comment: In silico analysis indicates that this missense variant does not alter protein structure/function; Has not been previously published as pathogenic or benign to our knowledge

Illumina Laboratory Services, Illumina
Classification: Likely benign for Collagen VI-related myopathy. Last evaluated: 2018-01-12. Review status: criteria provided, single submitter. Criteria: ICSL Variant Classification Criteria 13 December 2019. Collection method: clinical testing. Allele origin: germline.
Comment: This variant was observed in the ICSL laboratory as part of a predisposition screen in an ostensibly healthy population. It had not been previously curated by ICSL or reported in the Human Gene Mutation Database (HGMD: prior to June 1st, 2018), and was therefore a candidate for classification through an automated scoring system. Utilizing variant allele frequency, disease prevalence and penetrance estimates, and inheritance mode, an automated score was calculated to assess if this variant is too frequent to cause the disease. Based on the score and internal cut-off values, a variant classified as likely benign is not then subjected to further curation. The score for this variant resulted in a classification of likely benign for this disease.